The following is an entry in ClinVar:

NM_002451.4(MTAP):c.111A>G (p.Pro37=)

Gene: MTAP (methylthioadenosine phosphorylase; plus strand). Cytogenetic location: 9p21.3.
Variant type: single nucleotide variant.
Coding change: c.111A>G on transcript NM_002451.4 (MANE Select); coding-DNA position 111, A replaced by G.
Protein change: p.Pro37=; no amino-acid change (proline 37 retained).
Molecular consequence: synonymous variant.
Genome position (GRCh38, 1-based): chr9:21,815,510, A>G. VCF-style: chr9-21815510-A-G. GRCh37 (hg19) VCF-style: chr9-21815509-A-G.
Identifiers: ClinVar variation 913043 (VCV000913043.4), dbSNP rs774955664, ClinGen allele CA5011708.

ClinVar aggregate classification (germline): Benign (1 of 4 stars; one submission).

Conditions:
Diaphyseal medullary stenosis-bone malignancy syndrome. Also called: MYOPATHY, LIMB-GIRDLE, WITH BONE FRAGILITY; BONE DYSPLASIA WITH MALIGNANT FIBROUS HISTIOCYTOMA; BONE DYSPLASIA WITH MEDULLARY FIBROSARCOMA. Identifiers: Orphanet 85182, MedGen C1862177, MONDO:0007205, OMIM 112250.

Allele frequency attached by ClinVar (database versions not stated): ExAC 0.00002; gnomAD exomes 0.00003 and 0.00004.
gnomAD v4.1: 23 of 1,608,148 alleles (0.0014%); highest among the groups gnomAD compares: East Asian, 0.042%; no homozygotes.

Submission:

Illumina Laboratory Services, Illumina
Classification: Benign for Diaphyseal medullary stenosis-bone malignancy syndrome. Last evaluated: 2018-01-12. Review status: criteria provided, single submitter. Criteria: ICSL Variant Classification Criteria 13 December 2019. Collection method: clinical testing. Allele origin: germline.
Comment: This variant was observed in the ICSL laboratory as part of a predisposition screen in an ostensibly healthy population. It had not been previously curated by ICSL or reported in the Human Gene Mutation Database (HGMD: prior to June 1st, 2018), and was therefore a candidate for classification through an automated scoring system. Utilizing variant allele frequency, disease prevalence and penetrance estimates, and inheritance mode, an automated score was calculated to assess if this variant is too frequent to cause the disease. Based on the score and internal cut-off values, a variant classified as benign is not then subjected to further curation. The score for this variant resulted in a classification of benign for this disease.